The following is an entry in ClinVar:

NM_015474.4(SAMHD1):c.462dup (p.Tyr155fs)

Gene: SAMHD1 (SAM and HD domain containing deoxynucleoside triphosphate triphosphohydrolase 1; minus strand). Cytogenetic location: 20q11.23.
Variant type: Duplication.
Coding change: c.462dup on transcript NM_015474.4 (MANE Select); coding-DNA position 462, one base duplicated (C; older notation c.462dupC).
Protein change: p.Tyr155fs; shifts the reading frame from tyrosine 155.
Molecular consequence: frameshift variant.
Genome position (GRCh38, 1-based): chr20:36,935,076, G duplicated on the plus strand (C on the coding strand, the reverse complement: SAMHD1 is on the minus strand). VCF-style (leftmost placement, unchanged base first): chr20-36935075-A-AG. GRCh37 (hg19) VCF-style: chr20-35563478-A-AG.
Other names: c.462dup, p.Tyr155fs (NM_001363729.2, NM_001363733.2); short protein forms Y155fs.
Identifiers: ClinVar variation 4815857 (VCV004815857.1).
Genomic context (GRCh38, chr20:36,935,075, plus strand): 5'-CATTCCCTTCTTACCCTAGACTATGCTCAAATCGATTGTGTGAAGCTCCTGGAAAAACAT[A>AG]GTAACCACCTCCCAGCTGTTTGATGTATCGAAGACGTTGAAATTGAGGTGTATCAATGAT-3'

ClinVar aggregate classification (germline): Likely pathogenic (1 of 4 stars; one submission).

Conditions:
Aicardi Goutieres syndrome (AGS). Also called: Encephalopathy, familial infantile, with calcification of basal ganglia and chronic cerebrospinal fluid lymphocytosis. Identifiers: Orphanet 51, MedGen C0393591, MONDO:0018866.

Submission:

Natera, Inc.
Classification: Likely pathogenic for Aicardi-Goutieres syndrome. Last evaluated: 2024-09-06. Review status: criteria provided, single submitter. Criteria: Natera Variant Classification Schema (03/2026). Collection method: clinical testing. Allele origin: germline.
Comment: The c.462dup variant in SAMHD1 is a frameshift variant predicted to shift the reading frame beginning at codon 155 and leads to a stop codon 12 codons downstream. This variant is expected to result in nonsense mediated decay, truncation, or a dysfunctional protein product. This variant is rare in the general population with a frequency below the threshold expected for the associated phenotype(s). Given the available evidence, this variant is classified as Likely Pathogenic.